The following is an entry in ClinVar:

NM_182914.3(SYNE2):c.12227A>G (p.Glu4076Gly)

Gene: SYNE2 (spectrin repeat containing nuclear envelope protein 2; plus strand). Cytogenetic location: 14q23.2.
Variant type: single nucleotide variant.
Coding change: c.12227A>G on transcript NM_182914.3 (MANE Select); coding-DNA position 12227, A replaced by G.
Protein change: p.Glu4076Gly; replaces glutamic acid 4076 with glycine.
Molecular consequence: missense variant.
Genome position (GRCh38, 1-based): chr14:64,098,067, A>G. VCF-style: chr14-64098067-A-G. GRCh37 (hg19) VCF-style: chr14-64564785-A-G.
Other names: c.12227A>G, p.Glu4076Gly (NM_015180.6); c.12227A>G (NM_182914.2); short protein forms E4076G.
Identifiers: ClinVar variation 1020642 (VCV001020642.9), dbSNP rs556962500, ClinGen allele CA7222046.

ClinVar aggregate classification (germline): Uncertain significance. Review status: criteria provided, multiple submitters, no conflicts (2 of 4 stars). 2 submissions from 2 submitters: Uncertain significance (2). Last evaluated 2025-11-27.

Conditions:
Emery-Dreifuss muscular dystrophy 5, autosomal dominant (EDMD5). Also called: EMERY-DREIFUSS MUSCULAR DYSTROPHY 5. Identifiers: Orphanet 261, MedGen C2751805, MONDO:0013072, OMIM 612999.

Allele frequency attached by ClinVar (database versions not stated): gnomAD exomes below 0.00001 and 0.00001; ExAC 0.00002; gnomAD 0.00002 and 0.00003; TOPMed 0.00005; 1000 Genomes Project 30x 0.00016; 1000 Genomes Project 0.00020.
gnomAD v4.1: 7 of 1,614,192 alleles (0.00043%); highest among the groups gnomAD compares: Admixed American, 0.01%; no homozygotes.

Submissions (2):

Labcorp Genetics (formerly Invitae), Labcorp
Classification: Uncertain significance for Emery-Dreifuss muscular dystrophy 5, autosomal dominant. Last evaluated: 2025-11-27. Review status: criteria provided, single submitter. Criteria: Invitae Variant Classification Sherloc (09022015). Collection method: clinical testing. Allele origin: germline.
Comment: This sequence change replaces glutamic acid, which is acidic and polar, with glycine, which is neutral and non-polar, at codon 4076 of the SYNE2 protein (p.Glu4076Gly). This variant is present in population databases (rs556962500, gnomAD 0.006%). This variant has not been reported in the literature in individuals affected with SYNE2-related conditions. ClinVar contains an entry for this variant (Variation ID: 1020642). An algorithm developed to predict the effect of missense changes on protein structure and function (PolyPhen-2) suggests that this variant is likely to be tolerated. In summary, the available evidence is currently insufficient to determine the role of this variant in disease. Therefore, it has been classified as a Variant of Uncertain Significance.

Ambry Genetics
Classification: Uncertain significance. Last evaluated: 2024-05-23. Review status: criteria provided, single submitter. Criteria: Ambry Variant Classification Scheme 2023. Collection method: clinical testing. Allele origin: germline.